The following is an entry in ClinVar:

ClinVar aggregate classification (germline): Uncertain significance (1 of 4 stars; one submission).

Conditions:
Multiple gastrointestinal atresias. Also called: Multiple intestinal atresia; FAMILIAL INTESTINAL POLYATRESIA SYNDROME. Identifiers: Orphanet 2300, MedGen C0220744, MONDO:0009465.

Allele frequency attached by ClinVar (database versions not stated): gnomAD exomes below 0.00001.
gnomAD v4.1: 4 of 1,614,194 alleles (0.00025%); highest among the groups gnomAD compares: Non-Finnish European, 0.00034%; no homozygotes.

Submission:

Labcorp Genetics (formerly Invitae), Labcorp
Classification: Uncertain significance for Multiple gastrointestinal atresias. Last evaluated: 2021-04-29. Review status: criteria provided, single submitter. Criteria: Invitae Variant Classification Sherloc (09022015). Collection method: clinical testing. Allele origin: germline.
Comment: In summary, the available evidence is currently insufficient to determine the role of this variant in disease. Therefore, it has been classified as a Variant of Uncertain Significance. Algorithms developed to predict the effect of missense changes on protein structure and function are either unavailable or do not agree on the potential impact of this missense change (SIFT: "Deleterious"; PolyPhen-2: "Probably Damaging"; Align-GVGD: "Class C0"). This variant has not been reported in the literature in individuals with TTC7A-related conditions. This variant is not present in population databases (ExAC no frequency). This sequence change replaces leucine with proline at codon 620 of the TTC7A protein (p.Leu620Pro). The leucine residue is highly conserved and there is a moderate physicochemical difference between leucine and proline.

NM_020458.4(TTC7A):c.1859T>C (p.Leu620Pro)

Gene: TTC7A (tetratricopeptide repeat domain 7A; plus strand). Cytogenetic location: 2p21.
Variant type: single nucleotide variant.
Coding change: c.1859T>C on transcript NM_020458.4 (MANE Select); coding-DNA position 1859, T replaced by C.
Protein change: p.Leu620Pro; replaces leucine 620 with proline.
Molecular consequence: missense variant.
Genome position (GRCh38, 1-based): chr2:47,046,371, T>C. VCF-style: chr2-47046371-T-C. GRCh37 (hg19) VCF-style: chr2-47273510-T-C.
Other names: c.1859T>C, p.Leu620Pro (NM_001288951.2); c.1757T>C, p.Leu586Pro (NM_001288953.2); c.797T>C, p.Leu266Pro (NM_001288955.2); short protein forms L620P, L586P, L266P.
Identifiers: ClinVar variation 1460622 (VCV001460622.7), dbSNP rs1682318934, ClinGen allele CA346719746.